The following is an entry in ClinVar:

NM_022051.3(EGLN1):c.1252T>A (p.Ser418Thr)

Gene: EGLN1 (egl-9 family hypoxia inducible factor 1; minus strand). Cytogenetic location: 1q42.2.
Variant type: single nucleotide variant.
Coding change: c.1252T>A on transcript NM_022051.3 (MANE Select); coding-DNA position 1252, T replaced by A.
Protein change: p.Ser418Thr; replaces serine 418 with threonine.
Molecular consequence: missense variant. On other transcripts: 3 prime UTR variant (2).
Genome position (GRCh38, 1-based): chr1:231,366,440, A>T on the plus strand (T>A on the coding strand, the complement: EGLN1 is on the minus strand). VCF-style: chr1-231366440-A-T. GRCh37 (hg19) VCF-style: chr1-231502186-A-T.
Other names: c.*32T>A (NM_001377260.1); c.*77T>A (NM_001377261.1); short protein forms S418T.
Identifiers: ClinVar variation 3227690 (VCV003227690.2), dbSNP rs2527215603, ClinGen allele CA345238376.

ClinVar aggregate classification (germline): Uncertain significance (1 of 4 stars; one submission).

Submission:

Ambry Genetics
Classification: Uncertain significance. Last evaluated: 2025-11-16. Review status: criteria provided, single submitter. Criteria: Ambry Variant Classification Scheme 2023. Collection method: clinical testing. Allele origin: germline.
Comment: The p.S418T variant (also known as c.1252T>A), located in coding exon 5 of the EGLN1 gene, results from a T to A substitution at nucleotide position 1252. The serine at codon 418 is replaced by threonine, an amino acid with similar properties. This amino acid position is conserved. In addition, this alteration is predicted to be tolerated by in silico analysis. Since supporting evidence is limited at this time, the clinical significance of this alteration remains unclear.